The following is an entry in ClinVar:

NM_000069.3(CACNA1S):c.5279G>A (p.Gly1760Glu)

Gene: CACNA1S (calcium voltage-gated channel subunit alpha1 S; minus strand). Cytogenetic location: 1q32.1.
Variant type: single nucleotide variant.
Coding change: c.5279G>A on transcript NM_000069.3 (MANE Select); coding-DNA position 5279, G replaced by A.
Protein change: p.Gly1760Glu; replaces glycine 1760 with glutamic acid.
Molecular consequence: missense variant.
Genome position (GRCh38, 1-based): chr1:201,040,322, C>T on the plus strand (G>A on the coding strand, the complement: CACNA1S is on the minus strand). VCF-style: chr1-201040322-C-T. GRCh37 (hg19) VCF-style: chr1-201009450-C-T.
Other names: short protein forms G1760E.
Identifiers: ClinVar variation 3070222 (VCV003070222.1), dbSNP rs554208789, ClinGen allele CA344131125.
Genomic context (GRCh38, chr1:201,040,322, plus strand): 5'-GAGCACCTGGAAGTATTCTCCCTGGTGCTCCTGCTGTGGGGTGTCTCCTCATGAAGAGAC[C>T]CTGGTGTGGAGCTCTTTCTGTCCTCAGGCATGGAGGACTCCACCCTGGGGCACTGTTCCA-3'
Protein context (NP_000060.2, residues 1750-1770): MPEDRKSSTP[Gly1760Glu]SLHEETPHSR

ClinVar aggregate classification (germline): Uncertain significance (1 of 4 stars; one submission).

Conditions:
Malignant hyperthermia, susceptibility to, 5 (MHS5). Also called: CACNA1S-Related Malignant Hyperthermia Susceptibility. Identifiers: Orphanet 423, MedGen C1866077, MONDO:0011163, OMIM 601887.

Submission:

All of Us Research Program, National Institutes of Health
Classification: Uncertain significance for Malignant hyperthermia, susceptibility to, 5. Last evaluated: 2023-04-03. Review status: criteria provided, single submitter. Criteria: ACMG Guidelines, 2015. Collection method: clinical testing. Allele origin: germline. Inheritance: Autosomal dominant inheritance. Observed: 1 variant allele, 1 heterozygote.
Comment: This missense variant replaces glycine with glutamic acid at codon 1760 of the CACNA1S protein. Computational prediction suggests that this variant may not impact protein structure and function (internally defined REVEL score threshold <= 0.5, PMID: 27666373). To our knowledge, functional studies have not been reported for this variant. This variant has not been reported in individuals affected with CACNA1S-related disorders in the literature. This variant has not been identified in the general population by the Genome Aggregation Database (gnomAD). The available evidence is insufficient to determine the role of this variant in disease conclusively. Therefore, this variant is classified as a Variant of Uncertain Significance.

This study involves interpretation of variants in research participants for the purpose of population health screening. Participant phenotype was not available at the time of variant classification. Additional details can be found in publication PMID: 35346344, PMCID: PMC8962531